The following is an entry in ClinVar:

ClinVar aggregate classification (germline): Uncertain significance. Review status: criteria provided, multiple submitters, no conflicts (2 of 4 stars). 3 submissions from 3 submitters: Uncertain significance (3). Last evaluated 2026-01-09.

Conditions:
Inborn genetic diseases. Identifiers: MedGen C0950123, MeSH D030342.
Holoprosencephaly 3 (HPE3). Identifiers: Orphanet 2162, MedGen C1840529, MONDO:0007733, OMIM 142945.

Allele frequency attached by ClinVar (database versions not stated): gnomAD 0.00001; TOPMed 0.00002; gnomAD exomes 0.00003.
gnomAD v4.1: 42 of 1,597,408 alleles (0.0026%); highest among the groups gnomAD compares: Non-Finnish European, 0.0033%; no homozygotes.

Submissions (3):

Ambry Genetics
Classification: Uncertain significance for Inborn genetic diseases. Last evaluated: 2026-01-09. Review status: criteria provided, single submitter. Criteria: Ambry Variant Classification Scheme 2023. Collection method: clinical testing. Allele origin: germline.

GeneDx
Classification: Uncertain significance. Last evaluated: 2024-08-14. Review status: criteria provided, single submitter. Criteria: GeneDx Variant Classification Process June 2021. Collection method: clinical testing. Allele origin: germline. Affected: yes.
Comment: Not observed at significant frequency in large population cohorts (gnomAD); In silico analysis supports that this missense variant has a deleterious effect on protein structure/function; Has not been previously published as pathogenic or benign to our knowledge

Labcorp Genetics (formerly Invitae), Labcorp
Classification: Uncertain significance for Holoprosencephaly 3. Last evaluated: 2023-11-23. Review status: criteria provided, single submitter. Criteria: Invitae Variant Classification Sherloc (09022015). Collection method: clinical testing. Allele origin: germline.
Comment: This sequence change replaces lysine, which is basic and polar, with glutamine, which is neutral and polar, at codon 194 of the SHH protein (p.Lys194Gln). This variant is not present in population databases (gnomAD no frequency). This variant has not been reported in the literature in individuals affected with SHH-related conditions. Advanced modeling of protein sequence and biophysical properties (such as structural, functional, and spatial information, amino acid conservation, physicochemical variation, residue mobility, and thermodynamic stability) performed at Invitae indicates that this missense variant is expected to disrupt SHH protein function with a positive predictive value of 80%. In summary, the available evidence is currently insufficient to determine the role of this variant in disease. Therefore, it has been classified as a Variant of Uncertain Significance.

NM_000193.4(SHH):c.580A>C (p.Lys194Gln)

Gene: SHH (sonic hedgehog signaling molecule; minus strand). Cytogenetic location: 7q36.3.
Variant type: single nucleotide variant.
Coding change: c.580A>C on transcript NM_000193.4 (MANE Select); coding-DNA position 580, A replaced by C.
Protein change: p.Lys194Gln; replaces lysine 194 with glutamine.
Molecular consequence: missense variant. On other transcripts: intron variant (1).
Genome position (GRCh38, 1-based): chr7:155,803,709, T>G on the plus strand (A>C on the coding strand, the complement: SHH is on the minus strand). VCF-style: chr7-155803709-T-G. GRCh37 (hg19) VCF-style: chr7-155596403-T-G.
Other names: c.580A>C (NM_000193.2); c.301+2587A>C (NM_001310462.2); short protein forms K194Q.
Identifiers: ClinVar variation 2759890 (VCV002759890.4), dbSNP rs746540891, ClinGen allele CA4586973.